The following is an entry in ClinVar:

NM_000285.4(PEPD):c.833G>A (p.Gly278Asp)

Gene: PEPD (peptidase D; minus strand). Cytogenetic location: 19q13.11.
Variant type: single nucleotide variant.
Coding change: c.833G>A on transcript NM_000285.4 (MANE Select); coding-DNA position 833, G replaced by A.
Protein change: p.Gly278Asp; replaces glycine 278 with aspartic acid.
Molecular consequence: missense variant.
Genome position (GRCh38, 1-based): chr19:33,401,855, C>T on the plus strand (G>A on the coding strand, the complement: PEPD is on the minus strand). VCF-style: chr19-33401855-C-T. GRCh37 (hg19) VCF-style: chr19-33892761-C-T.
Other names: c.710G>A, p.Gly237Asp (NM_001166056.2); c.641G>A, p.Gly214Asp (NM_001166057.2); short protein forms G278D, G214D, G237D.
Identifiers: ClinVar variation 212 (VCV000000212.8), dbSNP rs121917723, ClinGen allele CA214914.
Genomic context (GRCh38, chr19:33,401,855, plus strand): 5'-AACTTGCCGTTGGCGGGAAAGGAGCAGGTGATGTCGGAAGCGAAGCAGTAATACTCACCG[C>T]CCATGTCGAACAGGCTGCGGAGAGAGGAAGGCAGGGCAAGTGGGTACTGGGGTGCCACCG-3'
Protein context (NP_000276.2, residues 268-288): QNGDMCLFDM[Gly278Asp]GEYYCFASDI

ClinVar aggregate classification (germline): Pathogenic/Likely pathogenic. Review status: criteria provided, multiple submitters, no conflicts (2 of 4 stars). 4 submissions from 4 submitters: Pathogenic (1); Likely pathogenic (2). 1 of the submissions does not count toward it. Last evaluated 2024-11-26.

Conditions:
Prolidase deficiency. Identifiers: Orphanet 742, MedGen C0268532, MONDO:0008221, OMIM 170100.

Allele frequency attached by ClinVar (database versions not stated): TOPMed 0.00001; gnomAD 0.00002; gnomAD exomes 0.00002 and 0.00004; ExAC 0.00005.
gnomAD v4.1: 42 of 1,613,062 alleles (0.0026%); highest among the groups gnomAD compares: Non-Finnish European, 0.0031%; no homozygotes.

Submissions (4):

Women's Health and Genetics/Laboratory Corporation of America, LabCorp
Classification: Likely pathogenic for Prolidase deficiency. Last evaluated: 2024-11-26. Review status: criteria provided, single submitter. Criteria: LabCorp Variant Classification Summary - May 2015. Collection method: clinical testing. Allele origin: germline.
Comment: Variant summary: PEPD c.833G>A (p.Gly278Asp) results in a non-conservative amino acid change located in the Metallopeptidase family M24 (IPR000994) of the encoded protein sequence. Five of five in-silico tools predict a damaging effect of the variant on protein function. The variant allele was found at a frequency of 4.4e-05 in 247862 control chromosomes. This frequency is not significantly higher than estimated for a pathogenic variant in PEPD causing Prolidase Deficiency, allowing no conclusion about variant significance. c.833G>A has been reported in the literature in compound heterozygous individuals affected with Prolidase Deficiency (Ledoux_1996, Lupi_2006). These data indicate that the variant may be associated with disease. At least one publication reports experimental evidence evaluating an impact on protein function. The most pronounced variant effect results in total loss of prolidase activity (Ledoux_1996). The following publications have been ascertained in the context of this evaluation (PMID: 8900231, 17142620). ClinVar contains an entry for this variant (Variation ID: 212). Based on the evidence outlined above, the variant was classified as likely pathogenic.

Labcorp Genetics (formerly Invitae), Labcorp
Classification: Pathogenic. Last evaluated: 2023-11-30. Review status: criteria provided, single submitter. Criteria: Invitae Variant Classification Sherloc (09022015). Collection method: clinical testing. Allele origin: germline.
Comment: This sequence change replaces glycine, which is neutral and non-polar, with aspartic acid, which is acidic and polar, at codon 278 of the PEPD protein (p.Gly278Asp). This variant is present in population databases (rs121917723, gnomAD 0.007%). This missense change has been observed in individual(s) with prolidase deficiency (PMID: 8900231, 17142620). In at least one individual the data is consistent with being in trans (on the opposite chromosome) from a pathogenic variant. ClinVar contains an entry for this variant (Variation ID: 212). Advanced modeling of protein sequence and biophysical properties (such as structural, functional, and spatial information, amino acid conservation, physicochemical variation, residue mobility, and thermodynamic stability) performed at Invitae indicates that this missense variant is expected to disrupt PEPD protein function with a positive predictive value of 80%. Experimental studies have shown that this missense change affects PEPD function (PMID: 8900231). For these reasons, this variant has been classified as Pathogenic.

Rady Children's Institute for Genomic Medicine, Rady Children's Hospital San Diego
Classification: Likely pathogenic for PROLIDASE DEFICIENCY. Last evaluated: 2019-05-14. Review status: criteria provided, single submitter. Criteria: ACMG Guidelines, 2015. Collection method: clinical testing. Allele origin: germline. Affected: yes.
Comment: This variant has been previously reported as a compound heterozygous change in patients with prolidase deficiency (PMID: 8900231, 17142620), one of whom was reported to be asymptomatic (PMID: 8900231). An in vitro experiment in COS-1 cells demonstrated that this variant reduces prolidase activity to undetectable levels (PMID: 8900231). It is present in the heterozygous state in the gnomAD population database at a frequency of 0.004% (9/245214) and thus is presumed to be rare. The c.833G>A (p.Gly278Asp) variant affects a highly conserved amino acid and is predicted by multiple in silico tools to have a deleterious effect on protein function. Based on the available evidence, the c.833G>A (p.Gly278Asp) variant is classified as Likely Pathogenic.

OMIM
Classification: Pathogenic for PROLIDASE DEFICIENCY. Last evaluated: 1996-11-01. Review status: no assertion criteria provided. Collection method: literature only. Allele origin: germline. Not counted in ClinVar's aggregate classification.

Literature cited by the submitters: PubMed 8900231 (cited by 3 submitters); PubMed 17142620 (cited by Women's Health and Genetics/Laboratory Corporation of America, LabCorp and Labcorp Genetics (formerly Invitae), Labcorp).